The following is an entry in ClinVar:

ClinVar aggregate classification (germline): Likely pathogenic. Review status: reviewed by expert panel (3 of 4 stars). 3 submissions from 3 submitters: Likely pathogenic (1). 2 of the submissions do not count toward it. Last evaluated 2025-12-21.

Conditions:
IDUA-related disorder. Also called: IDUA-related condition.
Mucopolysaccharidosis, MPS-II (MPS2). Also called: Mucopolysaccharidosis with skin involvement; Attenuated MPS (subtype; formerly known as mild MPS II); Severe MPS II; I2S deficiency; MPS 2; Hunter Syndrome. Identifiers: Orphanet 580, Orphanet 79388, MedGen C0026705, MONDO:0010674, OMIM 309900.
Mucopolysaccharidosis type 1. Also called: IDUA deficiency; MPS I; Mucopolysaccharidosis Type I. Identifiers: Orphanet 579, MedGen C0023786, MONDO:0001586.

gnomAD v4.1: 1 of 1,613,182 alleles (0.000062%); highest among the groups gnomAD compares: Non-Finnish European, 0.000085%; no homozygotes.

Submissions (3):

ClinGen Lysosomal Storage Disorder Variant Curation Expert Panel
Classification: Likely pathogenic for Mucopolysaccharidosis type 1. Last evaluated: 2025-12-21. Review status: reviewed by expert panel. Criteria: ClinGen LSD ACMG Specifications IDUA V1.1.0. Collection method: curation. Allele origin: germline. Inheritance: Autosomal recessive inheritance.
Comment: The NM_000203.5:c.1045G>C variant in IDUA is a missense variant in Exon 8, where Aspartic acid (Asp, D) is replaced by Histidine (His, H) at position 349, p.(Asp349His). The variant has been reported in at least one proband with MPS I (PMIDs: 35614200). In ClinVar, a patient is reported with this variant (unknown is homozygous or compound heterozygous with a second variant) and clinical symptoms consistent with MPS I (global developmental delay, coarse facies, flat nasal bridge, hypertrichosis, stiffness in knee joint, hyperpigmentation, descended abdomen with splenomegaly), and elevated glycosaminoglycans (132 mg/mM Creat) (SCV004047898.1) (PP4). The highest population minor allele frequency in gnomAD v4.1.0 is 8.476760114470168e-7 (1/1179696 alleles) in the European (non-Finnish) genetic ancestry group; this is lower than the ClinGen Lysosomal Diseases VCEP’s threshold for PM2_Supporting (<0.00025), meeting this criterion (PM2_Supporting). The computational predictor REVEL gives a score of 0.927, which is above the threshold of 0.773, evidence that correlates with impact to IDUA function at the moderate level based on the specifications of the ClinGen Lysosomal Diseases VCEP (PMID: 36413997) (PP3_Moderate). Asp 349 is a critical active site residue. The residue Asp349 is involved in substrate binding of a positively charged environment that ensures a depressed pKa for the carboxyl group of Glu 299 (PMID:24036510) (PM1). In summary, this variant meets the criteria to be classified as likely pathogenic for MPS1 based on the ACMG/AMP criteria applied, as specified by the ClinGen Lysosomal Disease Variant Curation Expert Panel (Specifications Version 1.1.0): PM1, PP3_Moderate, PP4, PM2_Supporting. (Classification approved by the ClinGen Lysosomal Disease Variant Curation Expert Panel on December 21, 2025)

3billion
Classification: Likely pathogenic for IDUA-related disorder. Last evaluated: 2024-07-09. Review status: criteria provided, single submitter. Criteria: ACMG Guidelines, 2015. Collection method: clinical testing. Allele origin: germline. Affected: yes. Not counted in ClinVar's aggregate classification.
Comment: The variant is observed at an extremely low frequency in the gnomAD v4.0.0 dataset (total allele frequency: <0.001%). Predicted Consequence/Location: Missense variant In silico tool predictions suggest damaging effect of the variant on gene or gene product [REVEL: 0.93 (>=0.6, sensitivity 0.68 and specificity 0.92); 3Cnet: 0.99 (>=0.6, sensitivity 0.72 and precision 0.9)]. The same nucleotide change resulting in the same amino acid change has been previously reported to be associated with IDUA related disorder (PMID: 35614200). Different missense changes at the same codon (p.Asp349Asn, p.Asp349Gly, p.Asp349Tyr) have been reported as pathogenic/likely pathogenic with strong evidence (ClinVar ID: VCV000092623, VCV000638075, VCV000950889 /PMID: 12203999, 34833038, 8680403). Therefore, this variant is classified as Likely pathogenic according to the recommendation of ACMG/AMP guideline.

Neuberg Centre For Genomic Medicine, NCGM
Classification: Uncertain significance for Mucopolysaccharidosis, MPS-II. Review status: criteria provided, single submitter. Criteria: ACMG Guidelines, 2015. Collection method: clinical testing. Allele origin: germline. Inheritance: Autosomal recessive inheritance. Affected: yes. Not counted in ClinVar's aggregate classification.
Comment: The missense variant c.1045G>C (p.Asp349His) in IDUA gene has not been reported previously as a pathogenic variant nor as a benign variant, to our knowledge. The p.Asp349His variant is novel (not in any individuals) in gnomAD exomes and 1000 Genomes. This variant has not been reported to the ClinVar database. The amino acid Asp at position 349 is changed to a His changing protein sequence and it might alter its composition and physico-chemical properties. The nucleotide c.1045G>C in IDUA is predicted conserved by GERP++ and PhyloP across 100 vertebrates. For these reasons, this variant has been classified as Uncertain Significance (VUS).

Literature cited by the submitters: PubMed 12203999 (cited by 3billion); PubMed 35614200 (cited by 3billion).

NM_000203.5(IDUA):c.1045G>C (p.Asp349His)

Gene: IDUA (alpha-L-iduronidase; plus strand). Cytogenetic location: 4p16.3.
Variant type: single nucleotide variant.
Coding change: c.1045G>C on transcript NM_000203.5 (MANE Select); coding-DNA position 1045, G replaced by C.
Protein change: p.Asp349His; replaces aspartic acid 349 with histidine.
Molecular consequence: missense variant. On other transcripts: non-coding transcript variant (1).
Genome position (GRCh38, 1-based): chr4:1,002,341, G>C. VCF-style: chr4-1002341-G-C. GRCh37 (hg19) VCF-style: chr4-996129-G-C.
Other names: NM_000203.5(IDUA):c.1045G>C; p.Asp349His; c.649G>C, p.Asp217His (NM_001363576.1); short protein forms D349H, D217H.
Identifiers: ClinVar variation 2585078 (VCV002585078.2), dbSNP rs368454909, ClinGen allele CA355963148.